The following is an entry in ClinVar:

NM_005216.5(DDOST):c.776C>T (p.Ala259Val)

Gene: DDOST (dolichyl-diphosphooligosaccharide--protein glycosyltransferase non-catalytic subunit; minus strand). Cytogenetic location: 1p36.12.
Variant type: single nucleotide variant.
Coding change: c.776C>T on transcript NM_005216.5 (MANE Select); coding-DNA position 776, C replaced by T.
Protein change: p.Ala259Val; replaces alanine 259 with valine.
Molecular consequence: missense variant.
Genome position (GRCh38, 1-based): chr1:20,654,241, G>A on the plus strand (C>T on the coding strand, the complement: DDOST is on the minus strand). VCF-style: chr1-20654241-G-A. GRCh37 (hg19) VCF-style: chr1-20980734-G-A.
Other names: short protein forms A276V, A259V.
Identifiers: ClinVar variation 295135 (VCV000295135.22), dbSNP rs138061134, ClinGen allele CA661132.

ClinVar aggregate classification (germline): Benign/Likely benign. Review status: criteria provided, multiple submitters, no conflicts (2 of 4 stars). 4 submissions from 4 submitters: Benign (1); Likely benign (3). Last evaluated 2026-03-01.

Conditions:
Congenital disorder of glycosylation type Ir (CDG1R). Also called: DDOST-congenital disorder of glycosylation. Identifiers: Orphanet 300536, MedGen C3281084, MONDO:0013789, OMIM 614507.

Allele frequency attached by ClinVar (database versions not stated): ESP Exome Variant Server 0.00041; TOPMed 0.00085; ExAC 0.00152; gnomAD exomes 0.00154 and 0.00247; 1000 Genomes Project 30x 0.00172; gnomAD 0.00201; 1000 Genomes Project 0.00220.
gnomAD v4.1: 2,454 of 1,550,972 alleles (0.16%); highest among the groups gnomAD compares: East Asian, 1.2%; 21 homozygotes.

Submissions (16):

CeGaT Center for Human Genetics Tuebingen
Classification: Likely benign. Last evaluated: 2026-03-01. Review status: criteria provided, single submitter. Criteria: CeGaT Center For Human Genetics Tuebingen Variant Classification Criteria Version 2. Collection method: clinical testing. Allele origin: germline. Affected: yes. Observed: 2 variant alleles.
Comment: DDOST: BS1

Labcorp Genetics (formerly Invitae), Labcorp
Classification: Benign for Congenital disorder of glycosylation type Ir. Last evaluated: 2026-01-26. Review status: criteria provided, single submitter. Criteria: Invitae Variant Classification Sherloc (09022015). Collection method: clinical testing. Allele origin: germline.

GeneDx
Classification: Likely benign. Last evaluated: 2018-05-16. Review status: criteria provided, single submitter. Criteria: GeneDx Variant Classification (06012015). Collection method: clinical testing. Allele origin: germline. Affected: yes.
Comment: This variant is considered likely benign or benign based on one or more of the following criteria: it is a conservative change, it occurs at a poorly conserved position in the protein, it is predicted to be benign by multiple in silico algorithms, and/or has population frequency not consistent with disease.

Breakthrough Genomics
Classification: Likely benign. Review status: criteria provided, single submitter. Criteria: ACMG Guidelines, 2015. Collection method: not provided. Allele origin: germline. Inheritance: Autosomal recessive inheritance. Affected: yes.

Dr. Peter K. Rogan Lab, Western University
No classification provided (evidence only). Condition: Malignant tumor of urinary bladder. Review status: no classification provided. Collection method: in vitro. Allele origin: not applicable. Functional consequence: retained intron. Not counted in ClinVar's aggregate classification.

Dr. Peter K. Rogan Lab, Western University
No classification provided (evidence only). Condition: Familial cancer of breast. Review status: no classification provided. Collection method: in vitro. Allele origin: not applicable. Functional consequence: retained intron. Not counted in ClinVar's aggregate classification.

Dr. Peter K. Rogan Lab, Western University
No classification provided (evidence only). Condition: Familial cancer of breast. Review status: no classification provided. Collection method: in vitro. Allele origin: not applicable. Functional consequence: retained intron. Not counted in ClinVar's aggregate classification.

Dr. Peter K. Rogan Lab, Western University
No classification provided (evidence only). Condition: Familial cancer of breast. Review status: no classification provided. Collection method: in vitro. Allele origin: not applicable. Functional consequence: retained intron. Not counted in ClinVar's aggregate classification.

Dr. Peter K. Rogan Lab, Western University
No classification provided (evidence only). Condition: Colorectal cancer. Review status: no classification provided. Collection method: in vitro. Allele origin: not applicable. Functional consequence: retained intron. Not counted in ClinVar's aggregate classification.

Dr. Peter K. Rogan Lab, Western University
No classification provided (evidence only). Condition: Cervical cancer. Review status: no classification provided. Collection method: in vitro. Allele origin: not applicable. Functional consequence: retained intron. Not counted in ClinVar's aggregate classification.

Dr. Peter K. Rogan Lab, Western University
No classification provided (evidence only). Condition: Hepatocellular carcinoma. Review status: no classification provided. Collection method: in vitro. Allele origin: not applicable. Functional consequence: retained intron. Not counted in ClinVar's aggregate classification.

Dr. Peter K. Rogan Lab, Western University
No classification provided (evidence only). Condition: Hepatocellular carcinoma. Review status: no classification provided. Collection method: in vitro. Allele origin: not applicable. Functional consequence: retained intron. Not counted in ClinVar's aggregate classification.

Dr. Peter K. Rogan Lab, Western University
No classification provided (evidence only). Condition: Hepatocellular carcinoma. Review status: no classification provided. Collection method: in vitro. Allele origin: not applicable. Functional consequence: retained intron. Not counted in ClinVar's aggregate classification.

Dr. Peter K. Rogan Lab, Western University
No classification provided (evidence only). Condition: Hepatocellular carcinoma. Review status: no classification provided. Collection method: in vitro. Allele origin: not applicable. Functional consequence: retained intron. Not counted in ClinVar's aggregate classification.

Dr. Peter K. Rogan Lab, Western University
No classification provided (evidence only). Condition: Thymoma. Review status: no classification provided. Collection method: in vitro. Allele origin: not applicable. Functional consequence: retained intron. Not counted in ClinVar's aggregate classification.

Dr. Peter K. Rogan Lab, Western University
No classification provided (evidence only). Condition: Ovarian serous cystadenocarcinoma. Review status: no classification provided. Collection method: in vitro. Allele origin: not applicable. Functional consequence: retained intron. Not counted in ClinVar's aggregate classification.